The following is an entry in ClinVar:

NM_000065.5(C6):c.1385C>G (p.Ser462Cys)

Gene: C6 (complement C6; minus strand). Cytogenetic location: 5p13.1.
Variant type: single nucleotide variant.
Coding change: c.1385C>G on transcript NM_000065.5 (MANE Select); coding-DNA position 1385, C replaced by G.
Protein change: p.Ser462Cys; replaces serine 462 with cysteine.
Molecular consequence: missense variant.
Genome position (GRCh38, 1-based): chr5:41,161,766, G>C on the plus strand (C>G on the coding strand, the complement: C6 is on the minus strand). VCF-style: chr5-41161766-G-C. GRCh37 (hg19) VCF-style: chr5-41161868-G-C.
Other names: c.1385C>G, p.Ser462Cys (NM_001115131.4); short protein forms S462C.
Identifiers: ClinVar variation 4987452 (VCV004987452.1).

ClinVar aggregate classification (germline): Uncertain significance (1 of 4 stars; one submission).

Conditions:
C6-related disorder. Also called: C6-related condition.

gnomAD v4.1: 1 of 1,613,480 alleles (0.000062%); highest among the groups gnomAD compares: African/African-American, 0.0013%; no homozygotes.

Submission:

PreventionGenetics, part of Exact Sciences
Classification: Uncertain significance for C6-related condition. Last evaluated: 2025-12-08. Review status: criteria provided, single submitter. Criteria: ACMG Guidelines, 2015. Collection method: clinical testing. Allele origin: germline.
Comment: The C6 c.1385C>G variant is predicted to result in the amino acid substitution p.Ser462Cys. To our knowledge, this variant has not been reported in the literature or in a large population database (gnomAD), indicating this variant is rare. At this time, the clinical significance of this variant is uncertain due to the absence of conclusive functional and genetic evidence.